The following is an entry in ClinVar:

NM_000465.4(BARD1):c.879C>T (p.Ser293=)

Gene: BARD1 (BRCA1 associated RING domain 1; minus strand). Cytogenetic location: 2q35.
Variant type: single nucleotide variant.
Coding change: c.879C>T on transcript NM_000465.4 (MANE Select); coding-DNA position 879, C replaced by T.
Protein change: p.Ser293=; no amino-acid change (serine 293 retained).
Molecular consequence: synonymous variant. On other transcripts: non-coding transcript variant (2), intron variant (3).
Genome position (GRCh38, 1-based): chr2:214,780,995, G>A on the plus strand (C>T on the coding strand, the complement: BARD1 is on the minus strand). VCF-style: chr2-214780995-G-A. GRCh37 (hg19) VCF-style: chr2-215645719-G-A.
Other names: c.822C>T, p.Ser274= (NM_001282543.2); c.158+28417C>T (NM_001282548.2); c.215+16066C>T (NM_001282545.2); c.364+11302C>T (NM_001282549.2).
Identifiers: ClinVar variation 3379343 (VCV003379343.1).

ClinVar aggregate classification (germline): Benign (1 of 4 stars; one submission).

Conditions:
Familial cancer of breast. Also called: hereditary breast carcinoma; Hereditary breast cancer; BREAST CANCER, FAMILIAL. Identifiers: Orphanet 227535, MedGen C0346153, MONDO:0016419, OMIM 114480. Disease mechanism: loss of function.

Submission:

Myriad Genetics, Inc.
Classification: Benign for Familial cancer of breast. Last evaluated: 2024-07-23. Review status: criteria provided, single submitter. Criteria: Myriad Autosomal Dominant, Autosomal Recessive and X-Linked Classification Criteria (2023). Collection method: clinical testing. Allele origin: unknown.
Comment: This variant is considered benign. This variant is a silent/synonymous amino acid change and it is not expected to impact splicing.